The following is an entry in ClinVar:

NM_175914.5(HNF4A):c.*2193T>C

Gene: HNF4A (hepatocyte nuclear factor 4 alpha; plus strand). Cytogenetic location: 20q13.12.
Variant type: single nucleotide variant.
Coding change: c.*2193T>C on transcript NM_175914.5 (MANE Select); 2193 bases downstream of the stop codon, T replaced by C.
Molecular consequence: 3 prime UTR variant.
Genome position (GRCh38, 1-based): chr20:44,431,858, T>C. VCF-style: chr20-44431858-T-C. GRCh37 (hg19) VCF-style: chr20-43060498-T-C.
Other names: c.*2193T>C (NM_000457.6, NM_001030003.3, NM_001258355.2 and 3 more transcripts).
Identifiers: ClinVar variation 338468 (VCV000338468.6), dbSNP rs148871044, ClinGen allele CA10652539.

ClinVar aggregate classification (germline): Conflicting classifications of pathogenicity. Review status: criteria provided, conflicting classifications (1 of 4 stars). 3 submissions from 2 submitters: Uncertain significance (2); Benign (1). Last evaluated 2018-01-12.

Conditions:
Familial hyperinsulinism. Also called: Congenital hyperinsulinism. Identifiers: Orphanet 276525, MedGen C3888018, MONDO:0017182. Disease mechanism: loss of function.
Maturity-onset diabetes of the young (MODY). Also called: Maturity onset diabetes mellitus in young. Identifiers: Orphanet 552, MedGen C0342276, MONDO:0018911, HP:0004904.
Maturity-onset diabetes of the young type 1. Also called: MILD JUVENILE DIABETES MELLITUS; MODY, type I; MODY type 1; Diabetes mellitus MODY type 1; MODY HNF4A related; HNF4A-Related Maturity-Onset Diabetes of the Young Type 1. Identifiers: Orphanet 552, MedGen C1852093, MONDO:0007452, OMIM 125850. Disease mechanism: loss of function.

Allele frequency attached by ClinVar (database versions not stated): gnomAD 0.00015 and 0.00016; 1000 Genomes Project 30x 0.00016; TOPMed 0.00018; 1000 Genomes Project 0.00020.

Submissions (3):

Illumina Laboratory Services, Illumina
Classification: Uncertain significance for Familial hyperinsulinism. Last evaluated: 2018-01-12. Review status: criteria provided, single submitter. Criteria: ICSL Variant Classification Criteria 13 December 2019. Collection method: clinical testing. Allele origin: germline.

Illumina Laboratory Services, Illumina
Classification: Uncertain significance for Maturity-onset diabetes of the young type 1. Last evaluated: 2018-01-12. Review status: criteria provided, single submitter. Criteria: ICSL Variant Classification Criteria 13 December 2019. Collection method: clinical testing. Allele origin: germline.

Clinical Genomics, Uppaluri K&H Personalized Medicine Clinic
Classification: Benign for Maturity-onset diabetes of the young. Review status: criteria provided, single submitter. Criteria: K & H Uppaluri Personalized Medicine Clinic Variant Classification & Assertion Criteria_Updated V.1. Collection method: research. Allele origin: unknown. Inheritance: Autosomal dominant inheritance.
Comment: Potent mutations in HNF4A are associated with poor insulin secretion in response to hyperglycemia. Associated with MODY1. Patients initially respond well to sulfonylureas but eventually become insulin dependent. However, more evidence is required to ascertain the role of this particular variant rs148871044 in MODY, yet.

Literature cited by the submitters: DOI 10.1159/000334532 (cited by Clinical Genomics, Uppaluri K&H Personalized Medicine Clinic); PubMed 18268044 (cited by Clinical Genomics, Uppaluri K&H Personalized Medicine Clinic); PubMed 17563455 (cited by Clinical Genomics, Uppaluri K&H Personalized Medicine Clinic); PubMed 32583173 (cited by Clinical Genomics, Uppaluri K&H Personalized Medicine Clinic); PubMed 35052457 (cited by Clinical Genomics, Uppaluri K&H Personalized Medicine Clinic); PubMed 35118593 (cited by Clinical Genomics, Uppaluri K&H Personalized Medicine Clinic).